The following is an entry in ClinVar:

ClinVar aggregate classification (germline): Pathogenic/Likely pathogenic. Review status: criteria provided, multiple submitters, no conflicts (2 of 4 stars). 4 submissions from 4 submitters: Pathogenic (1); Likely pathogenic (2). 1 of the submissions does not count toward it. Last evaluated 2026-05-12.

Conditions:
Lethal congenital contracture syndrome 11 (LCCS11). Identifiers: MedGen C4310670, MONDO:0014965, OMIM 617194.

gnomAD v4.1: 5 of 1,614,090 alleles (0.00031%); highest among the groups gnomAD compares: Middle Eastern, 0.016%; no homozygotes.

Submissions (4):

Department of Human Genetics, Hannover Medical School
Classification: Pathogenic for Lethal congenital contracture syndrome 11. Last evaluated: 2026-05-12. Review status: criteria provided, single submitter. Criteria: ACMG Guidelines, 2015. Collection method: clinical testing. Allele origin: germline. Affected: yes.
Comment: PS3_Supporting, PM1, PM2_Supporting, PM3_Strong, PP3_Moderate

Groupe Hospitalier Pitie Salpetriere, Uf Genomique Du Developpement, Assistance Publique Hopitaux de Paris Sorbonne Université
Classification: Likely pathogenic for Lethal congenital contracture syndrome 11. Last evaluated: 2024-02-05. Review status: criteria provided, single submitter. Criteria: ACMG Guidelines, 2015. Collection method: clinical testing. Allele origin: biparental. Inheritance: Autosomal recessive inheritance. Affected: yes. Observed: 2 variant alleles.
Comment: concordant fetal phenotype (camptodactyly), missense predicted deleterious (REVEL=0.87), reported as LP in clinvar, cosegregation of the homozygous variant in an affected sibling.

Institute of Human Genetics, University of Leipzig Medical Center
Classification: Likely pathogenic for Lethal congenital contracture syndrome 11. Last evaluated: 2022-10-05. Review status: criteria provided, single submitter. Criteria: ACMG Guidelines, 2015. Collection method: clinical testing. Allele origin: inherited. Inheritance: Autosomal recessive inheritance. Affected: yes.
Comment: Criteria applied: PS3,PM3_STR,PM2_SUP

OMIM
Classification: Pathogenic for LETHAL CONGENITAL CONTRACTURE SYNDROME 11. Last evaluated: 2016-11-09. Review status: no assertion criteria provided. Collection method: literature only. Allele origin: germline. Not counted in ClinVar's aggregate classification.

Literature cited by the submitters: PubMed 27616481 (cited by OMIM).

NM_181789.4(GLDN):c.1423G>C (p.Ala475Pro)

Gene: GLDN (gliomedin; plus strand). Cytogenetic location: 15q21.2.
Variant type: single nucleotide variant.
Coding change: c.1423G>C on transcript NM_181789.4 (MANE Select); coding-DNA position 1423, G replaced by C.
Protein change: p.Ala475Pro; replaces alanine 475 with proline.
Molecular consequence: missense variant.
Genome position (GRCh38, 1-based): chr15:51,404,521, G>C. VCF-style: chr15-51404521-G-C. GRCh37 (hg19) VCF-style: chr15-51696718-G-C.
Other names: GLDN, ALA475PRO (rs764239923); c.1051G>C, p.Ala351Pro (NM_001330297.2); short protein forms A475P, A351P.
Identifiers: ClinVar variation 268105 (VCV000268105.6), dbSNP rs764239923, ClinGen allele CA7560754.
Genomic context (GRCh38, chr15:51,404,521, plus strand): 5'-AGGACATTCTCAGTGGTGCAACACGTCAATACCACGTACCCTAAATCCAAGGCTGGCAAC[G>C]CCTTCATTGCCCGAGGAATCCTCTATGTCACAGACACCAAAGATATGAGGGTCACATTTG-3'
Protein context (NP_861454.2, residues 465-485): TTYPKSKAGN[Ala475Pro]FIARGILYVT